The following is an entry in ClinVar:

ClinVar aggregate classification (germline): Likely benign. Review status: criteria provided, single submitter (1 of 4 stars). 2 submissions from 2 submitters: Likely benign (1). 1 of the submissions does not count toward it. Last evaluated 2026-01-27.

Conditions:
SPRY4-related disorder. Also called: SPRY4-related condition.

Allele frequency attached by ClinVar (database versions not stated): gnomAD 0.00033; TOPMed 0.00043; ESP Exome Variant Server 0.00054.
gnomAD v4.1: 111 of 1,614,230 alleles (0.0069%); highest among the groups gnomAD compares: African/African-American, 0.097%; 1 homozygote.

Submissions (2):

Labcorp Genetics (formerly Invitae), Labcorp
Classification: Likely benign. Last evaluated: 2026-01-27. Review status: criteria provided, single submitter. Criteria: Invitae Variant Classification Sherloc (09022015). Collection method: clinical testing. Allele origin: germline.

PreventionGenetics, part of Exact Sciences
Classification: Likely benign for SPRY4-related condition. Last evaluated: 2019-05-22. Review status: no assertion criteria provided. Collection method: clinical testing. Allele origin: germline. Not counted in ClinVar's aggregate classification.
Comment: This variant is classified as likely benign based on ACMG/AMP sequence variant interpretation guidelines (Richards et al. 2015 PMID: 25741868, with internal and published modifications).

NM_001127496.3(SPRY4):c.438G>A (p.Pro146=)

Gene: SPRY4 (sprouty RTK signaling antagonist 4; minus strand). Cytogenetic location: 5q31.3.
Variant type: single nucleotide variant.
Coding change: c.438G>A on transcript NM_001127496.3 (MANE Select); coding-DNA position 438, G replaced by A.
Protein change: p.Pro146=; no amino-acid change (proline 146 retained).
Molecular consequence: synonymous variant.
Genome position (GRCh38, 1-based): chr5:142,314,671, C>T on the plus strand (G>A on the coding strand, the complement: SPRY4 is on the minus strand). VCF-style: chr5-142314671-C-T. GRCh37 (hg19) VCF-style: chr5-141694236-C-T.
Other names: c.438G>A, p.Pro146= (NM_001293289.3, NM_001293290.3); c.507G>A, p.Pro169= (NM_030964.5).
Identifiers: ClinVar variation 3039629 (VCV003039629.3), dbSNP rs140796913, ClinGen allele CA3485550.